The following is an entry in ClinVar:

ClinVar aggregate classification (germline): Uncertain significance (1 of 4 stars; one submission).

Allele frequency attached by ClinVar (database versions not stated): ExAC 0.00002; gnomAD 0.00001; gnomAD exomes 0.00001.

Submission:

Labcorp Genetics (formerly Invitae), Labcorp
Classification: Uncertain significance. Last evaluated: 2025-02-26. Review status: criteria provided, single submitter. Criteria: Invitae Variant Classification Sherloc (09022015). Collection method: clinical testing. Allele origin: germline.
Comment: This sequence change replaces isoleucine, which is neutral and non-polar, with threonine, which is neutral and polar, at codon 886 of the ERBIN protein (p.Ile886Thr). This variant is present in population databases (rs770966460, gnomAD 0.01%). This variant has not been reported in the literature in individuals affected with ERBIN-related conditions. ClinVar contains an entry for this variant (Variation ID: 1978070). An algorithm developed to predict the effect of missense changes on protein structure and function (PolyPhen-2) suggests that this variant is likely to be tolerated. In summary, the available evidence is currently insufficient to determine the role of this variant in disease. Therefore, it has been classified as a Variant of Uncertain Significance.

NM_001253697.2(ERBIN):c.2657T>C (p.Ile886Thr)

Gene: ERBIN (erbb2 interacting protein; plus strand). Cytogenetic location: 5q12.3.
Variant type: single nucleotide variant.
Coding change: c.2657T>C on transcript NM_001253697.2 (MANE Select); coding-DNA position 2657, T replaced by C.
Protein change: p.Ile886Thr; replaces isoleucine 886 with threonine.
Molecular consequence: missense variant.
Genome position (GRCh38, 1-based): chr5:66,053,975, T>C. VCF-style: chr5-66053975-T-C. GRCh37 (hg19) VCF-style: chr5-65349803-T-C.
Other names: c.2657T>C, p.Ile886Thr (NM_001253698.2, NM_001253699.2, NM_018695.4 and 1 more transcripts); c.2645T>C, p.Ile882Thr (NM_001253701.2); short protein forms I882T, I886T.
Identifiers: ClinVar variation 1978070 (VCV001978070.5), dbSNP rs770966460, ClinGen allele CA3286522.